The following is an entry in ClinVar:

NM_016203.4(PRKAG2):c.570C>T (p.Arg190=)

Gene: PRKAG2 (protein kinase AMP-activated non-catalytic subunit gamma 2; minus strand). Cytogenetic location: 7q36.1.
Variant type: single nucleotide variant.
Coding change: c.570C>T on transcript NM_016203.4 (MANE Select); coding-DNA position 570, C replaced by T.
Protein change: p.Arg190=; no amino-acid change (arginine 190 retained).
Molecular consequence: synonymous variant.
Genome position (GRCh38, 1-based): chr7:151,675,534, G>A on the plus strand (C>T on the coding strand, the complement: PRKAG2 is on the minus strand). VCF-style: chr7-151675534-G-A. GRCh37 (hg19) VCF-style: chr7-151372620-G-A.
Other names: c.438C>T, p.Arg146= (NM_001040633.2); c.198C>T, p.Arg66= (NM_001304527.2, NM_001363698.2).
Identifiers: ClinVar variation 465342 (VCV000465342.15), dbSNP rs141191531, ClinGen allele CA057533.

ClinVar aggregate classification (germline): Likely benign. Review status: criteria provided, multiple submitters, no conflicts (2 of 4 stars). 5 submissions from 5 submitters: Likely benign (5). Last evaluated 2026-01-31.

Conditions:
Cardiovascular phenotype. Identifiers: MedGen CN230736.
Lethal congenital glycogen storage disease of heart. Also called: GLYCOGEN STORAGE DISEASE OF HEART; PHOSPHORYLASE KINASE DEFICIENCY OF HEART. Identifiers: Orphanet 439854, MedGen C1849813, MONDO:0009867, OMIM 261740.
Cardiomyopathy (CMYO). Also called: Cardiomyopathies. Identifiers: Orphanet 167848, MedGen C0878544, MONDO:0004994, HP:0001638. Inheritance: Various modes of inheritance.

Allele frequency attached by ClinVar (database versions not stated): gnomAD 0.00001; ExAC 0.00002; gnomAD exomes 0.00002 and 0.00005; TOPMed 0.00002; ESP Exome Variant Server 0.00008.
gnomAD v4.1: 68 of 1,614,032 alleles (0.0042%); highest among the groups gnomAD compares: Non-Finnish European, 0.0055%; no homozygotes.

Submissions (5):

Labcorp Genetics (formerly Invitae), Labcorp
Classification: Likely benign for Lethal congenital glycogen storage disease of heart. Last evaluated: 2026-01-31. Review status: criteria provided, single submitter. Criteria: Invitae Variant Classification Sherloc (09022015). Collection method: clinical testing. Allele origin: germline.

Blueprint Genetics
Classification: Likely benign. Last evaluated: 2022-07-21. Review status: criteria provided, single submitter. Criteria: ACMG Guidelines, 2015. Collection method: clinical testing. Allele origin: germline.

Ambry Genetics
Classification: Likely benign for Cardiovascular phenotype. Last evaluated: 2022-01-25. Review status: criteria provided, single submitter. Criteria: Ambry Variant Classification Scheme 2023. Collection method: clinical testing. Allele origin: germline.

Color Diagnostics, LLC DBA Color Health
Classification: Likely benign for Cardiomyopathy. Last evaluated: 2018-05-29. Review status: criteria provided, single submitter. Criteria: ACMG Guidelines, 2015. Collection method: clinical testing. Allele origin: germline.

GeneDx
Classification: Likely benign. Last evaluated: 2018-01-19. Review status: criteria provided, single submitter. Criteria: GeneDx Variant Classification (06012015). Collection method: clinical testing. Allele origin: germline. Affected: yes.
Comment: This variant is considered likely benign or benign based on one or more of the following criteria: it is a conservative change, it occurs at a poorly conserved position in the protein, it is predicted to be benign by multiple in silico algorithms, and/or has population frequency not consistent with disease.